The following is an entry in ClinVar:

NM_032119.4(ADGRV1):c.6618G>T (p.Met2206Ile)

Gene: ADGRV1 (adhesion G protein-coupled receptor V1; plus strand). Cytogenetic location: 5q14.3.
Variant type: single nucleotide variant.
Coding change: c.6618G>T on transcript NM_032119.4 (MANE Select); coding-DNA position 6618, G replaced by T.
Protein change: p.Met2206Ile; replaces methionine 2206 with isoleucine.
Molecular consequence: missense variant. On other transcripts: non-coding transcript variant (1).
Genome position (GRCh38, 1-based): chr5:90,689,988, G>T. VCF-style: chr5-90689988-G-T. GRCh37 (hg19) VCF-style: chr5-89985805-G-T.
Other names: short protein forms M2206I.
Identifiers: ClinVar variation 1435252 (VCV001435252.5), dbSNP rs1746257263, ClinGen allele CA360366542.

ClinVar aggregate classification (germline): Uncertain significance (1 of 4 stars; one submission).

Allele frequency attached by ClinVar (database versions not stated): gnomAD 0.00001.
gnomAD v4.1: 1 of 1,608,066 alleles (0.000062%); highest among the groups gnomAD compares: Admixed American, 0.0017%; no homozygotes.

Submission:

Labcorp Genetics (formerly Invitae), Labcorp
Classification: Uncertain significance. Last evaluated: 2022-08-31. Review status: criteria provided, single submitter. Criteria: Invitae Variant Classification Sherloc (09022015). Collection method: clinical testing. Allele origin: germline.
Comment: This sequence change replaces methionine, which is neutral and non-polar, with isoleucine, which is neutral and non-polar, at codon 2206 of the ADGRV1 protein (p.Met2206Ile). This variant is not present in population databases (gnomAD no frequency). This variant has not been reported in the literature in individuals affected with ADGRV1-related conditions. ClinVar contains an entry for this variant (Variation ID: 1435252). Algorithms developed to predict the effect of missense changes on protein structure and function (SIFT, PolyPhen-2, Align-GVGD) all suggest that this variant is likely to be tolerated. In summary, the available evidence is currently insufficient to determine the role of this variant in disease. Therefore, it has been classified as a Variant of Uncertain Significance.